The following is an entry in ClinVar:

NM_000890.5(KCNJ5):c.131C>T (p.Ala44Val)

Gene: KCNJ5 (potassium inwardly rectifying channel subfamily J member 5; plus strand). Cytogenetic location: 11q24.3.
Variant type: single nucleotide variant.
Coding change: c.131C>T on transcript NM_000890.5 (MANE Select); coding-DNA position 131, C replaced by T.
Protein change: p.Ala44Val; replaces alanine 44 with valine.
Molecular consequence: missense variant.
Genome position (GRCh38, 1-based): chr11:128,911,404, C>T. VCF-style: chr11-128911404-C-T. GRCh37 (hg19) VCF-style: chr11-128781299-C-T.
Other names: c.131C>T, p.Ala44Val (NM_001354169.2); short protein forms A44V.
Identifiers: ClinVar variation 4858651 (VCV004858651.1).

ClinVar aggregate classification (germline): Uncertain significance (1 of 4 stars; one submission).

Conditions:
Cardiovascular phenotype. Identifiers: MedGen CN230736.

Submission:

Ambry Genetics
Classification: Uncertain significance for Cardiovascular phenotype. Last evaluated: 2026-05-03. Review status: criteria provided, single submitter. Criteria: Ambry Variant Classification Scheme 2023. Collection method: clinical testing. Allele origin: germline.
Comment: The p.A44V variant (also known as c.131C>T), located in coding exon 1 of the KCNJ5 gene, results from a C to T substitution at nucleotide position 131. The alanine at codon 44 is replaced by valine, an amino acid with similar properties. This amino acid position is conserved. In addition, this alteration is predicted to be tolerated by in silico analysis. Based on the available evidence, the clinical significance of this variant remains unclear.